The following is an entry in ClinVar:

NM_030957.4(ADAMTS10):c.1213G>A (p.Val405Met)

Gene: ADAMTS10 (ADAM metallopeptidase with thrombospondin type 1 motif 10; minus strand). Cytogenetic location: 19p13.2.
Variant type: single nucleotide variant.
Coding change: c.1213G>A on transcript NM_030957.4 (MANE Select); coding-DNA position 1213, G replaced by A.
Protein change: p.Val405Met; replaces valine 405 with methionine.
Molecular consequence: missense variant.
Genome position (GRCh38, 1-based): chr19:8,596,197, C>T on the plus strand (G>A on the coding strand, the complement: ADAMTS10 is on the minus strand). VCF-style: chr19-8596197-C-T. GRCh37 (hg19) VCF-style: chr19-8661081-C-T.
Other names: short protein forms V405M.
Identifiers: ClinVar variation 1948037 (VCV001948037.5), dbSNP rs1555740120, ClinGen allele CA403755457.

ClinVar aggregate classification (germline): Uncertain significance (1 of 4 stars; one submission).

gnomAD v4.1: 5 of 1,614,066 alleles (0.00031%); highest among the groups gnomAD compares: Non-Finnish European, 0.00042%; no homozygotes.

Submission:

Labcorp Genetics (formerly Invitae), Labcorp
Classification: Uncertain significance. Last evaluated: 2024-04-05. Review status: criteria provided, single submitter. Criteria: Invitae Variant Classification Sherloc (09022015). Collection method: clinical testing. Allele origin: germline.
Comment: This sequence change replaces valine, which is neutral and non-polar, with methionine, which is neutral and non-polar, at codon 405 of the ADAMTS10 protein (p.Val405Met). This variant is present in population databases (no rsID available, gnomAD 0.0009%). This variant has not been reported in the literature in individuals affected with ADAMTS10-related conditions. ClinVar contains an entry for this variant (Variation ID: 1948037). An algorithm developed to predict the effect of missense changes on protein structure and function (PolyPhen-2) suggests that this variant is likely to be tolerated. In summary, the available evidence is currently insufficient to determine the role of this variant in disease. Therefore, it has been classified as a Variant of Uncertain Significance.